The following is an entry in ClinVar:

NM_001105206.3(LAMA4):c.1939A>C (p.Thr647Pro)

Gene: LAMA4 (laminin subunit alpha 4; minus strand). Cytogenetic location: 6q21.
Variant type: single nucleotide variant.
Coding change: c.1939A>C on transcript NM_001105206.3 (MANE Select); coding-DNA position 1939, A replaced by C.
Protein change: p.Thr647Pro; replaces threonine 647 with proline.
Molecular consequence: missense variant.
Genome position (GRCh38, 1-based): chr6:112,155,585, T>G on the plus strand (A>C on the coding strand, the complement: LAMA4 is on the minus strand). VCF-style: chr6-112155585-T-G. GRCh37 (hg19) VCF-style: chr6-112476787-T-G.
Other names: c.1918A>C, p.Thr640Pro (NM_001105207.3, NM_002290.5); short protein forms T640P, T647P.
Identifiers: ClinVar variation 3866223 (VCV003866223.2).
Genomic context (GRCh38, chr6:112,155,585, plus strand): 5'-GGGAAAGGCAAGGTATAAAGAACTTTCAGGGAATACTCACATCATAAATTCGGTCAGTGG[T>G]GTTCAAAGCAAATTCTGCTGTTTCATTGGCTTCACTAACATAATTAACAATATTTTCATA-3'
Protein context (NP_001098676.2, residues 637-657): ANETAEFALN[Thr647Pro]TDRIYDAVSG

ClinVar aggregate classification (germline): Uncertain significance. Review status: criteria provided, multiple submitters, no conflicts (2 of 4 stars). 2 submissions from 2 submitters: Uncertain significance (2). Last evaluated 2025-11-20.

Conditions:
Cardiovascular phenotype. Identifiers: MedGen CN230736.
Dilated cardiomyopathy 1JJ (CMD1JJ). Identifiers: Orphanet 154, MedGen C3808935, MONDO:0014095, OMIM 615235.

gnomAD v4.1: 4 of 1,614,194 alleles (0.00025%); highest among the groups gnomAD compares: Non-Finnish European, 0.00034%; no homozygotes.

Submissions (2):

Labcorp Genetics (formerly Invitae), Labcorp
Classification: Uncertain significance for Dilated cardiomyopathy 1JJ. Last evaluated: 2025-11-20. Review status: criteria provided, single submitter. Criteria: Invitae Variant Classification Sherloc (09022015). Collection method: clinical testing. Allele origin: germline.
Comment: This sequence change replaces threonine, which is neutral and polar, with proline, which is neutral and non-polar, at codon 640 of the LAMA4 protein (p.Thr640Pro). This variant is not present in population databases (gnomAD no frequency). This variant has not been reported in the literature in individuals affected with LAMA4-related conditions. ClinVar contains an entry for this variant (Variation ID: 3866223). Invitae Evidence Modeling of protein sequence and biophysical properties (such as structural, functional, and spatial information, amino acid conservation, physicochemical variation, residue mobility, and thermodynamic stability) indicates that this missense variant is expected to disrupt LAMA4 protein function with a positive predictive value of 80%. In summary, the available evidence is currently insufficient to determine the role of this variant in disease. Therefore, it has been classified as a Variant of Uncertain Significance.

Ambry Genetics
Classification: Uncertain significance for Cardiovascular phenotype. Last evaluated: 2025-01-07. Review status: criteria provided, single submitter. Criteria: Ambry Variant Classification Scheme 2023. Collection method: clinical testing. Allele origin: germline.